The following is an entry in ClinVar:

NM_000487.6(ARSA):c.*1076A>T

Gene: ARSA (arylsulfatase A; minus strand). Cytogenetic location: 22q13.33.
Variant type: single nucleotide variant.
Coding change: c.*1076A>T on transcript NM_000487.6 (MANE Select); 1076 bases downstream of the stop codon, A replaced by T.
Molecular consequence: 3 prime UTR variant.
Genome position (GRCh38, 1-based): chr22:50,624,069, T>A on the plus strand (A>T on the coding strand, the complement: ARSA is on the minus strand). VCF-style: chr22-50624069-T-A. GRCh37 (hg19) VCF-style: chr22-51062497-T-A.
Other names: c.*1076A>T (NM_001085425.3, NM_001085426.3, NM_001085427.3 and 2 more transcripts).
Identifiers: ClinVar variation 342211 (VCV000342211.5), dbSNP rs114833506, ClinGen allele CA10653690.

ClinVar aggregate classification (germline): Benign (1 of 4 stars; one submission).

Conditions:
Metachromatic leukodystrophy (MLD). Also called: ARSA DEFICIENCY; CEREBROSIDE SULFATASE DEFICIENCY; METACHROMATIC LEUKOENCEPHALOPATHY; SULFATIDE LIPIDOSIS; Cerebral sclerosis diffuse metachromatic form; Arylsulfatase A Deficiency. Identifiers: Orphanet 512, MedGen C0023522, MONDO:0018868, OMIM 250100.

Allele frequency attached by ClinVar (database versions not stated): gnomAD 0.02605 and 0.02807; 1000 Genomes Project 0.02696; TOPMed 0.02930; 1000 Genomes Project 30x 0.03061.
gnomAD v4.1: 3,929 of 152,168 alleles (2.6%); highest among the groups gnomAD compares: African/African-American, 8.8%; 150 homozygotes.

Submission:

Illumina Laboratory Services, Illumina
Classification: Benign for Metachromatic leukodystrophy. Last evaluated: 2018-01-13. Review status: criteria provided, single submitter. Criteria: ICSL Variant Classification Criteria 13 December 2019. Collection method: clinical testing. Allele origin: germline.
Comment: This variant was observed in the ICSL laboratory as part of a predisposition screen in an ostensibly healthy population. It had not been previously curated by ICSL or reported in the Human Gene Mutation Database (HGMD: prior to June 1st, 2018), and was therefore a candidate for classification through an automated scoring system. Utilizing variant allele frequency, disease prevalence and penetrance estimates, and inheritance mode, an automated score was calculated to assess if this variant is too frequent to cause the disease. Based on the score and internal cut-off values, a variant classified as benign is not then subjected to further curation. The score for this variant resulted in a classification of benign for this disease.